The following is an entry in ClinVar:

NM_001278.5(CHUK):c.1503G>A (p.Gly501=)

Gene: CHUK (component of inhibitor of nuclear factor kappa B kinase complex; minus strand). Cytogenetic location: 10q24.31.
Variant type: single nucleotide variant.
Coding change: c.1503G>A on transcript NM_001278.5 (MANE Select); coding-DNA position 1503, G replaced by A.
Protein change: p.Gly501=; no amino-acid change (glycine 501 retained).
Molecular consequence: synonymous variant.
Genome position (GRCh38, 1-based): chr10:100,204,510, C>T on the plus strand (G>A on the coding strand, the complement: CHUK is on the minus strand). VCF-style: chr10-100204510-C-T. GRCh37 (hg19) VCF-style: chr10-101964267-C-T.
Other names: c.1503G>A, p.Gly501= (NM_001320928.2).
Identifiers: ClinVar variation 774686 (VCV000774686.15), dbSNP rs2862988, ClinGen allele CA5646446.

ClinVar aggregate classification (germline): Benign. Review status: criteria provided, multiple submitters, no conflicts (2 of 4 stars). 4 submissions from 4 submitters: Benign (3). 1 of the submissions does not count toward it. Last evaluated 2026-03-31.

Conditions:
CHUK-related disorder. Also called: CHUK-related condition.

Allele frequency attached by ClinVar (database versions not stated): gnomAD 0.00427 and 0.00481; TOPMed 0.00464; ESP Exome Variant Server 0.00469; 1000 Genomes Project 30x 0.00515; 1000 Genomes Project 0.00559; gnomAD exomes 0.00632 and 0.00688; ExAC 0.00667.
gnomAD v4.1: 10,115 of 1,612,988 alleles (0.63%); highest among the groups gnomAD compares: South Asian, 2.1%; 87 homozygotes.

Submissions (4):

Women's Health and Genetics/Laboratory Corporation of America, LabCorp
Classification: Benign. Last evaluated: 2026-03-31. Review status: criteria provided, single submitter. Criteria: LabCorp Variant Classification Summary - May 2015. Collection method: clinical testing. Allele origin: germline.

Labcorp Genetics (formerly Invitae), Labcorp
Classification: Benign. Last evaluated: 2026-02-01. Review status: criteria provided, single submitter. Criteria: Invitae Variant Classification Sherloc (09022015). Collection method: clinical testing. Allele origin: germline.

Breakthrough Genomics
Classification: Benign. Review status: criteria provided, single submitter. Criteria: ACMG Guidelines, 2015. Collection method: not provided. Allele origin: germline. Inheritance: Autosomal recessive inheritance. Affected: yes.

PreventionGenetics, part of Exact Sciences
Classification: Benign for CHUK-related condition. Last evaluated: 2019-05-31. Review status: no assertion criteria provided. Collection method: clinical testing. Allele origin: germline. Not counted in ClinVar's aggregate classification.
Comment: This variant is classified as benign based on ACMG/AMP sequence variant interpretation guidelines (Richards et al. 2015 PMID: 25741868, with internal and published modifications).